The following is an entry in ClinVar:

NM_032043.3(BRIP1):c.2339T>G (p.Ile780Arg)

Gene: BRIP1 (BRCA1 interacting DNA helicase 1; minus strand). Cytogenetic location: 17q23.2.
Variant type: single nucleotide variant.
Coding change: c.2339T>G on transcript NM_032043.3 (MANE Select); coding-DNA position 2339, T replaced by G.
Protein change: p.Ile780Arg; replaces isoleucine 780 with arginine.
Molecular consequence: missense variant.
Genome position (GRCh38, 1-based): chr17:61,743,053, A>C on the plus strand (T>G on the coding strand, the complement: BRIP1 is on the minus strand). VCF-style: chr17-61743053-A-C. GRCh37 (hg19) VCF-style: chr17-59820414-A-C.
Other names: short protein forms I780R.
Identifiers: ClinVar variation 479477 (VCV000479477.18), dbSNP rs1467232177, ClinGen allele CA400482602.
Genomic context (GRCh38, chr17:61,743,053, plus strand): 5'-TTAAGGTTTTGATGGCCTACCTGTAGATCTTTCACATTTGGAAAAGGAATTCCTATTGTT[A>C]TGACAGCACGGGCATTGTCATCTGAGAAATCCAGACCCTCACTCACTTTACCACGACAAA-3'
Protein context (NP_114432.2, residues 770-790): DFSDDNARAV[Ile780Arg]TIGIPFPNVK

ClinVar aggregate classification (germline): Uncertain significance. Review status: criteria provided, multiple submitters, no conflicts (2 of 4 stars). 3 submissions from 3 submitters: Uncertain significance (3). Last evaluated 2025-06-15.

Conditions:
Hereditary cancer-predisposing syndrome. Also called: Tumor predisposition; Neoplastic Syndromes, Hereditary; Hereditary Cancer Syndrome; Hereditary neoplastic syndrome. Identifiers: Orphanet 140162, MedGen C0027672, MeSH D009386, MONDO:0015356.
Fanconi anemia complementation group J. Also called: BRIP1-Related Fanconi Anemia. Identifiers: Orphanet 84, MedGen C1836860, MONDO:0012187, OMIM 609054.
Familial cancer of breast. Also called: BREAST CANCER, FAMILIAL; Hereditary breast cancer; hereditary breast carcinoma. Identifiers: Orphanet 227535, MedGen C0346153, MONDO:0016419, OMIM 114480. Disease mechanism: loss of function.

Allele frequency attached by ClinVar (database versions not stated): TOPMed below 0.00001.

Submissions (3):

Labcorp Genetics (formerly Invitae), Labcorp
Classification: Uncertain significance for Familial cancer of breast; Fanconi anemia complementation group J. Last evaluated: 2025-06-15. Review status: criteria provided, single submitter. Criteria: Invitae Variant Classification Sherloc (09022015). Collection method: clinical testing. Allele origin: germline.
Comment: This sequence change replaces isoleucine, which is neutral and non-polar, with arginine, which is basic and polar, at codon 780 of the BRIP1 protein (p.Ile780Arg). This variant is not present in population databases (gnomAD no frequency). This variant has not been reported in the literature in individuals affected with BRIP1-related conditions. ClinVar contains an entry for this variant (Variation ID: 479477). Invitae Evidence Modeling of protein sequence and biophysical properties (such as structural, functional, and spatial information, amino acid conservation, physicochemical variation, residue mobility, and thermodynamic stability) indicates that this missense variant is expected to disrupt BRIP1 protein function with a positive predictive value of 95%. In summary, the available evidence is currently insufficient to determine the role of this variant in disease. Therefore, it has been classified as a Variant of Uncertain Significance.

Ambry Genetics
Classification: Uncertain significance for Hereditary cancer-predisposing syndrome. Last evaluated: 2024-08-25. Review status: criteria provided, single submitter. Criteria: Ambry Variant Classification Scheme 2023. Collection method: clinical testing. Allele origin: germline.
Comment: The p.I780R variant (also known as c.2339T>G), located in coding exon 15 of the BRIP1 gene, results from a T to G substitution at nucleotide position 2339. The isoleucine at codon 780 is replaced by arginine, an amino acid with similar properties. This amino acid position is not well conserved in available vertebrate species. In addition, this alteration is predicted to be deleterious by in silico analysis. Since supporting evidence is limited at this time, the clinical significance of this alteration remains unclear.

Baylor Genetics
Classification: Uncertain significance for Familial cancer of breast. Last evaluated: 2023-06-09. Review status: criteria provided, single submitter. Criteria: ACMG Guidelines, 2015. Collection method: clinical testing. Allele origin: unknown.